The following is an entry in ClinVar:

ClinVar aggregate classification (germline): Likely pathogenic (1 of 4 stars; one submission).

Conditions:
Dilated cardiomyopathy 1G (CMD1G). Identifiers: Orphanet 154, MedGen C1858763, MONDO:0011400, OMIM 604145.
Autosomal recessive limb-girdle muscular dystrophy type 2J (LGMDR10). Also called: Limb-girdle muscular dystrophy, type 2J; MUSCULAR DYSTROPHY, LIMB-GIRDLE, AUTOSOMAL RECESSIVE 10. Identifiers: Orphanet 140922, MedGen C1837342, MONDO:0012127, OMIM 608807.

Submission:

Labcorp Genetics (formerly Invitae), Labcorp
Classification: Likely pathogenic for Dilated cardiomyopathy 1G; Autosomal recessive limb-girdle muscular dystrophy type 2J. Last evaluated: 2024-06-15. Review status: criteria provided, single submitter. Criteria: Invitae Variant Classification Sherloc (09022015). Collection method: clinical testing. Allele origin: germline.
Comment: This sequence change creates a premature translational stop signal (p.Glu32004Valfs*9) in the TTN gene. While this is not anticipated to result in nonsense mediated decay, it is expected to create a truncated TTN protein. This variant is not present in population databases (gnomAD no frequency). This variant has not been reported in the literature in individuals affected with TTN-related conditions. This variant is also known as p.Glu30363Val fs*9. Algorithms developed to predict the effect of sequence changes on RNA splicing suggest that this variant may disrupt the consensus splice site. This variant is located in the A band of TTN (PMID: 25589632). Truncating variants in this region are significantly overrepresented in patients affected with dilated cardiomyopathy (PMID: 25589632). Truncating variants in this region have also been reported in individuals affected with autosomal recessive centronuclear myopathy (PMID: 23975875). In summary, the currently available evidence indicates that the variant is pathogenic, but additional data are needed to prove that conclusively. Therefore, this variant has been classified as Likely Pathogenic.

Literature cited by the submitters: PubMed 25589632; PubMed 23975875.

NM_001267550.2(TTN):c.96003_96010dup (p.Glu32004fs)

Genes: TTN (titin; minus strand), TTN-AS1 (TTN antisense RNA 1; plus strand). Cytogenetic location: 2q31.2.
Variant type: Duplication.
Coding change: c.96003_96010dup on transcript NM_001267550.2 (MANE Select); coding-DNA positions 96003 to 96010, 8 bases duplicated (TGAAATTG; older notation c.96003_96010dupTGAAATTG).
Protein change: p.Glu32004fs; shifts the reading frame from glutamic acid 32004.
Molecular consequence: frameshift variant.
Genome position (GRCh38, 1-based): chr2:178,544,219-178,544,226, CAATTTCA duplicated on the plus strand (TGAAATTG on the coding strand, the reverse complement: TTN is on the minus strand). VCF-style (leftmost placement, unchanged base first): chr2-178544218-T-TCAATTTCA. GRCh37 (hg19) VCF-style: chr2-179408945-T-TCAATTTCA.
Other names: c.91080_91087dup, p.Glu30363fs (NM_001256850.1); c.68808_68815dup, p.Glu22939fs (NM_003319.4); c.88299_88306dup, p.Glu29436fs (NM_133378.4); c.69183_69190dup, p.Glu23064fs (NM_133432.3); c.69384_69391dup, p.Glu23131fs (NM_133437.4); short protein forms E22939fs, E23064fs, E23131fs, E29436fs, E30363fs, E32004fs.
Identifiers: ClinVar variation 3756836 (VCV003756836.2).